The following is an entry in ClinVar:

NM_006231.4(POLE):c.5108G>A (p.Cys1703Tyr)

Gene: POLE (DNA polymerase epsilon, catalytic subunit; minus strand). Cytogenetic location: 12q24.33.
Variant type: single nucleotide variant.
Coding change: c.5108G>A on transcript NM_006231.4 (MANE Select); coding-DNA position 5108, G replaced by A.
Protein change: p.Cys1703Tyr; replaces cysteine 1703 with tyrosine.
Molecular consequence: missense variant.
Genome position (GRCh38, 1-based): chr12:132,642,242, C>T on the plus strand (G>A on the coding strand, the complement: POLE is on the minus strand). VCF-style: chr12-132642242-C-T. GRCh37 (hg19) VCF-style: chr12-133218828-C-T.
Other names: short protein forms C1703Y.
Identifiers: ClinVar variation 2839340 (VCV002839340.3), dbSNP rs961736994, ClinGen allele CA246303261.

ClinVar aggregate classification (germline): Uncertain significance (1 of 4 stars; one submission).

Allele frequency attached by ClinVar (database versions not stated): gnomAD 0.00001.
gnomAD v4.1: 1 of 1,611,092 alleles (0.000062%); highest among the groups gnomAD compares: Non-Finnish European, 0.000085%; no homozygotes.

Submission:

Labcorp Genetics (formerly Invitae), Labcorp
Classification: Uncertain significance. Last evaluated: 2023-07-16. Review status: criteria provided, single submitter. Criteria: Invitae Variant Classification Sherloc (09022015). Collection method: clinical testing. Allele origin: germline.
Comment: In summary, the available evidence is currently insufficient to determine the role of this variant in disease. Therefore, it has been classified as a Variant of Uncertain Significance. Advanced modeling of protein sequence and biophysical properties (such as structural, functional, and spatial information, amino acid conservation, physicochemical variation, residue mobility, and thermodynamic stability) performed at Invitae indicates that this missense variant is not expected to disrupt POLE protein function. This variant has not been reported in the literature in individuals affected with POLE-related conditions. This variant is not present in population databases (gnomAD no frequency). This sequence change replaces cysteine, which is neutral and slightly polar, with tyrosine, which is neutral and polar, at codon 1703 of the POLE protein (p.Cys1703Tyr).